The following is an entry in ClinVar:

NM_014003.4(DHX38):c.707C>T (p.Thr236Met)

Gene: DHX38 (DEAH-box helicase 38; plus strand). Cytogenetic location: 16q22.2.
Variant type: single nucleotide variant.
Coding change: c.707C>T on transcript NM_014003.4 (MANE Select); coding-DNA position 707, C replaced by T.
Protein change: p.Thr236Met; replaces threonine 236 with methionine.
Molecular consequence: missense variant.
Genome position (GRCh38, 1-based): chr16:72,098,735, C>T. VCF-style: chr16-72098735-C-T. GRCh37 (hg19) VCF-style: chr16-72132634-C-T.
Other names: short protein forms T236M.
Identifiers: ClinVar variation 3647377 (VCV003647377.3).

ClinVar aggregate classification (germline): Uncertain significance. Review status: criteria provided, multiple submitters, no conflicts (2 of 4 stars). 2 submissions from 2 submitters: Uncertain significance (2). Last evaluated 2024-12-18.

gnomAD v4.1: 45 of 1,614,068 alleles (0.0028%); highest among the groups gnomAD compares: South Asian, 0.019%; 1 homozygote.

Submissions (2):

Labcorp Genetics (formerly Invitae), Labcorp
Classification: Uncertain significance. Last evaluated: 2024-12-18. Review status: criteria provided, single submitter. Criteria: Invitae Variant Classification Sherloc (09022015). Collection method: clinical testing. Allele origin: germline.
Comment: This sequence change replaces threonine, which is neutral and polar, with methionine, which is neutral and non-polar, at codon 236 of the DHX38 protein (p.Thr236Met). This variant is present in population databases (rs781372374, gnomAD 0.003%). This variant has not been reported in the literature in individuals affected with DHX38-related conditions. An algorithm developed to predict the effect of missense changes on protein structure and function (PolyPhen-2) suggests that this variant is likely to be tolerated. In summary, the available evidence is currently insufficient to determine the role of this variant in disease. Therefore, it has been classified as a Variant of Uncertain Significance.

Blueprint Genetics
Classification: Uncertain significance. Last evaluated: 2022-11-11. Review status: criteria provided, single submitter. Criteria: ACMG Guidelines, 2015. Collection method: clinical testing. Allele origin: germline.